The following is an entry in ClinVar:

NM_001378120.1(MBD5):c.2275G>A (p.Val759Met)

Gene: MBD5 (methyl-CpG binding domain protein 5; plus strand). Cytogenetic location: 2q23.1.
Variant type: single nucleotide variant.
Coding change: c.2275G>A on transcript NM_001378120.1 (MANE Select); coding-DNA position 2275, G replaced by A.
Protein change: p.Val759Met; replaces valine 759 with methionine.
Molecular consequence: missense variant.
Genome position (GRCh38, 1-based): chr2:148,470,218, G>A. VCF-style: chr2-148470218-G-A. GRCh37 (hg19) VCF-style: chr2-149227787-G-A.
Other names: c.2275G>A, p.Val759Met (NM_018328.5); short protein forms V759M.
Identifiers: ClinVar variation 406457 (VCV000406457.36), dbSNP rs377604964, ClinGen allele CA1900114.

ClinVar aggregate classification (germline): Benign/Likely benign. Review status: criteria provided, multiple submitters, no conflicts (2 of 4 stars). 5 submissions from 5 submitters: Benign (1); Likely benign (4). Last evaluated 2025-07-09.

Conditions:
Intellectual developmental disorder, autosomal dominant 1. Also called: MBD5 Haploinsufficiency; Intellectual disability, autosomal dominant 1. Identifiers: Orphanet 228402, MedGen C1969562, MONDO:0007974, OMIM 156200.
Complex neurodevelopmental disorder. Identifiers: Orphanet 528084, MedGen C5568766, MONDO:0100038.

Allele frequency attached by ClinVar (database versions not stated): gnomAD 0.00009; ESP Exome Variant Server 0.00023; gnomAD exomes 0.00007 and 0.00008; TOPMed 0.00008; ExAC 0.00009.
gnomAD v4.1: 134 of 1,613,820 alleles (0.0083%); highest among the groups gnomAD compares: Middle Eastern, 0.016%; no homozygotes.

Submissions (5):

Labcorp Genetics (formerly Invitae), Labcorp
Classification: Benign for Intellectual developmental disorder, autosomal dominant 1. Last evaluated: 2025-07-09. Review status: criteria provided, single submitter. Criteria: Invitae Variant Classification Sherloc (09022015). Collection method: clinical testing. Allele origin: germline.

Women's Health and Genetics/Laboratory Corporation of America, LabCorp
Classification: Likely benign. Last evaluated: 2025-07-02. Review status: criteria provided, single submitter. Criteria: LabCorp Variant Classification Summary - May 2015. Collection method: clinical testing. Allele origin: germline.
Comment: Variant summary: MBD5 c.2275G>A (p.Val759Met) results in a conservative amino acid change in the encoded protein sequence. Algorithms developed to predict the effect of missense changes on protein structure and function all suggest that this variant is likely to be tolerated. The variant allele was found at a frequency of 7.2e-05 in 250790 control chromosomes. This frequency is not significantly higher than estimated for a pathogenic variant in MBD5 causing MBD5 Associated Neurodevelopmental Disorder, allowing no conclusion about variant significance. To our knowledge, no occurrence of c.2275G>A in individuals affected with MBD5 Associated Neurodevelopmental Disorder and no experimental evidence demonstrating its impact on protein function have been reported. ClinVar contains an entry for this variant (Variation ID: 406457). Based on the evidence outlined above, the variant was classified as likely benign.

CeGaT Center for Human Genetics Tuebingen
Classification: Likely benign. Last evaluated: 2024-05-01. Review status: criteria provided, single submitter. Criteria: CeGaT Center For Human Genetics Tuebingen Variant Classification Criteria Version 2. Collection method: clinical testing. Allele origin: germline. Affected: yes. Observed: 1 variant allele.
Comment: MBD5: BP4

Blueprint Genetics
Classification: Likely benign. Last evaluated: 2024-02-08. Review status: criteria provided, single submitter. Criteria: ACMG Guidelines, 2015. Collection method: clinical testing. Allele origin: germline.

GeneDx
Classification: Likely benign. Last evaluated: 2021-02-03. Review status: criteria provided, single submitter. Criteria: GeneDx Variant Classification Process June 2021. Collection method: clinical testing. Allele origin: germline. Affected: yes.